The following is an entry in ClinVar:

ClinVar aggregate classification (germline): Uncertain significance (1 of 4 stars; one submission).

Conditions:
Inflammatory skin and bowel disease, neonatal, 1. Identifiers: Orphanet 294023, MedGen C3280501, MONDO:0013693, OMIM 614328.

Submission:

Labcorp Genetics (formerly Invitae), Labcorp
Classification: Uncertain significance for Inflammatory skin and bowel disease, neonatal, 1. Last evaluated: 2018-12-29. Review status: criteria provided, single submitter. Criteria: Invitae Variant Classification Sherloc (09022015). Collection method: clinical testing. Allele origin: germline.
Comment: In summary, the available evidence is currently insufficient to determine the role of this variant in disease. Therefore, it has been classified as a Variant of Uncertain Significance. This sequence change replaces cysteine with tyrosine at codon 573 of the ADAM17 protein (p.Cys573Tyr). The cysteine residue is highly conserved and there is a large physicochemical difference between cysteine and tyrosine. This variant is not present in population databases (ExAC no frequency). This variant has not been reported in the literature in individuals with ADAM17-related conditions. Algorithms developed to predict the effect of missense changes on protein structure and function are either unavailable or do not agree on the potential impact of this missense change (SIFT: "Deleterious"; PolyPhen-2: "Probably Damaging"; Align-GVGD: "Class C0").

NM_003183.6(ADAM17):c.1718G>A (p.Cys573Tyr)

Genes: ADAM17 (ADAM metallopeptidase domain 17; minus strand), IAH1 (isoamyl acetate hydrolyzing esterase 1 (putative); plus strand). Cytogenetic location: 2p25.1.
Variant type: single nucleotide variant.
Coding change: c.1718G>A on transcript NM_003183.6 (MANE Select); coding-DNA position 1718, G replaced by A.
Protein change: p.Cys573Tyr; replaces cysteine 573 with tyrosine.
Molecular consequence: missense variant.
Genome position (GRCh38, 1-based): chr2:9,497,179, C>T on the plus strand (G>A on the coding strand, the complement: ADAM17 is on the minus strand). VCF-style: chr2-9497179-C-T. GRCh37 (hg19) VCF-style: chr2-9637308-C-T.
Other names: c.1718G>A, p.Cys573Tyr (LRG_1203t1); short protein forms C573Y.
Identifiers: ClinVar variation 647783 (VCV000647783.6), dbSNP rs1184105835, ClinGen allele CA345775727.